The following is an entry in ClinVar:

ClinVar aggregate classification (germline): Uncertain significance (1 of 4 stars; one submission).

Conditions:
Perlman syndrome (PRLMNS). Identifiers: Orphanet 2849, MedGen C0796113, MONDO:0009965, OMIM 267000.

Allele frequency attached by ClinVar (database versions not stated): ExAC 0.00001.

Submission:

Labcorp Genetics (formerly Invitae), Labcorp
Classification: Uncertain significance for Perlman syndrome. Last evaluated: 2023-04-20. Review status: criteria provided, single submitter. Criteria: Invitae Variant Classification Sherloc (09022015). Collection method: clinical testing. Allele origin: germline.
Comment: This variant is present in population databases (rs747695986, gnomAD 0.004%). This variant has not been reported in the literature in individuals affected with DIS3L2-related conditions. ClinVar contains an entry for this variant (Variation ID: 1345751). Advanced modeling of protein sequence and biophysical properties (such as structural, functional, and spatial information, amino acid conservation, physicochemical variation, residue mobility, and thermodynamic stability) performed at Invitae indicates that this missense variant is expected to disrupt DIS3L2 protein function. In summary, the available evidence is currently insufficient to determine the role of this variant in disease. Therefore, it has been classified as a Variant of Uncertain Significance. This sequence change replaces cysteine, which is neutral and slightly polar, with phenylalanine, which is neutral and non-polar, at codon 449 of the DIS3L2 protein (p.Cys449Phe).

NM_152383.5(DIS3L2):c.1346G>T (p.Cys449Phe)

Gene: DIS3L2 (DIS3 like 3'-5' exoribonuclease 2; plus strand). Cytogenetic location: 2q37.1.
Variant type: single nucleotide variant.
Coding change: c.1346G>T on transcript NM_152383.5 (MANE Select); coding-DNA position 1346, G replaced by T.
Protein change: p.Cys449Phe; replaces cysteine 449 with phenylalanine.
Molecular consequence: missense variant. On other transcripts: non-coding transcript variant (2).
Genome position (GRCh38, 1-based): chr2:232,249,267, G>T. VCF-style: chr2-232249267-G-T. GRCh37 (hg19) VCF-style: chr2-233113977-G-T.
Other names: c.1346G>T, p.Cys449Phe (NM_001257281.2); short protein forms C449F.
Identifiers: ClinVar variation 1345751 (VCV001345751.8), dbSNP rs747695986, ClinGen allele CA2164124.